The following is an entry in ClinVar:

NM_004104.5(FASN):c.7244A>G (p.Glu2415Gly)

Genes: FASN (fatty acid synthase; minus strand), LOC129390948 (MPRA-validated peak3028 silencer; plus strand). Cytogenetic location: 17q25.3.
Variant type: single nucleotide variant.
Coding change: c.7244A>G on transcript NM_004104.5 (MANE Select); coding-DNA position 7244, A replaced by G.
Protein change: p.Glu2415Gly; replaces glutamic acid 2415 with glycine.
Molecular consequence: missense variant.
Genome position (GRCh38, 1-based): chr17:82,079,511, T>C on the plus strand (A>G on the coding strand, the complement: FASN is on the minus strand). VCF-style: chr17-82079511-T-C. GRCh37 (hg19) VCF-style: chr17-80037387-T-C.
Other names: short protein forms E2415G.
Identifiers: ClinVar variation 2635814 (VCV002635814.1), dbSNP rs2033950048, ClinGen allele CA401595794.

ClinVar aggregate classification (germline): Uncertain significance (1 of 4 stars; one submission).

Conditions:
FASN-related disorder. Also called: FASN-related condition.

Allele frequency attached by ClinVar (database versions not stated): gnomAD exomes below 0.00001.
gnomAD v4.1: 1 of 1,612,026 alleles (0.000062%); highest among the groups gnomAD compares: East Asian, 0.0022%; no homozygotes.

Submission:

PreventionGenetics, part of Exact Sciences
Classification: Uncertain significance for FASN-related condition. Last evaluated: 2023-02-24. Review status: criteria provided, single submitter. Criteria: ACMG Guidelines, 2015. Collection method: clinical testing. Allele origin: germline.
Comment: The FASN c.7244A>G variant is predicted to result in the amino acid substitution p.Glu2415Gly. To our knowledge, this variant has not been reported in the literature or in a large population database, indicating this variant is rare. At this time, the clinical significance of this variant is uncertain due to the absence of conclusive functional and genetic evidence.